The following is an entry in ClinVar:

NM_002907.4(RECQL):c.440A>G (p.Gln147Arg)

Gene: RECQL (RecQ like helicase; minus strand). Cytogenetic location: 12p12.1.
Variant type: single nucleotide variant.
Coding change: c.440A>G on transcript NM_002907.4 (MANE Select); coding-DNA position 440, A replaced by G.
Protein change: p.Gln147Arg; replaces glutamine 147 with arginine.
Molecular consequence: missense variant.
Genome position (GRCh38, 1-based): chr12:21,486,540, T>C on the plus strand (A>G on the coding strand, the complement: RECQL is on the minus strand). VCF-style: chr12-21486540-T-C. GRCh37 (hg19) VCF-style: chr12-21639474-T-C.
Other names: c.440A>G, p.Gln147Arg (NM_032941.3); short protein forms Q147R.
Identifiers: ClinVar variation 3222972 (VCV003222972.1), dbSNP rs1249731294, ClinGen allele CA384130198.

ClinVar aggregate classification (germline): Uncertain significance (1 of 4 stars; one submission).

Allele frequency attached by ClinVar (database versions not stated): gnomAD exomes below 0.00001.

Submission:

Ambry Genetics
Classification: Uncertain significance. Last evaluated: 2023-10-20. Review status: criteria provided, single submitter. Criteria: Ambry Variant Classification Scheme 2023. Collection method: clinical testing. Allele origin: germline.
Comment: The p.Q147R variant (also known as c.440A>G), located in coding exon 4 of the RECQL gene, results from an A to G substitution at nucleotide position 440. The glutamine at codon 147 is replaced by arginine, an amino acid with highly similar properties. This amino acid position is conserved. In addition, this alteration is predicted to be deleterious by in silico analysis. Since supporting evidence is limited at this time, the clinical significance of this alteration remains unclear.